The following is an entry in ClinVar:

ClinVar aggregate classification (germline): Likely pathogenic (1 of 4 stars; one submission).

Conditions:
Wolfram-like syndrome. Also called: HEARING LOSS, PROGRESSIVE, WITH OPTIC ATROPHY AND/OR IMPAIRED GLUCOSE REGULATION. Identifiers: Orphanet 411590, MedGen C3280358, MONDO:0013673, OMIM 614296.

Submission:

Dasa
Classification: Likely pathogenic for Wolfram-like syndrome. Last evaluated: 2025-11-06. Review status: criteria provided, single submitter. Criteria: DASA Assertion Criteria. Collection method: clinical testing. Allele origin: germline.
Comment: NM_006005.3(WFS1):c.952_955dup (p.Ile319Asnfs*225) is a frameshift variant in WFS1 predicted to alter the reading frame and introduce a premature termination codon and is predicted to result in an absent or altered protein product. Loss of function is an established disease mechanism for WFS1-associated disorders. Also, this variant is absent from population databases. Based on the currently available evidence, this variant is classified as likely pathogenic.

NM_006005.3(WFS1):c.952_955dup (p.Ile319fs)

Gene: WFS1 (wolframin ER transmembrane glycoprotein; plus strand). Cytogenetic location: 4p16.1.
Variant type: Duplication.
Coding change: c.952_955dup on transcript NM_006005.3 (MANE Select); coding-DNA positions 952 to 955, 4 bases duplicated (ATCA; older notation c.952_955dupATCA).
Protein change: p.Ile319fs; shifts the reading frame from isoleucine 319.
Molecular consequence: frameshift variant.
Genome position (GRCh38, 1-based): chr4:6,300,747-6,300,750, ATCA duplicated. VCF-style (leftmost placement, unchanged base first): chr4-6300746-C-CATCA. GRCh37 (hg19) VCF-style: chr4-6302473-C-CATCA.
Other names: c.952_955dup, p.Ile319fs (NM_001145853.1); short protein forms I319fs.
Identifiers: ClinVar variation 4880729 (VCV004880729.2).